The following is an entry in ClinVar:

ClinVar aggregate classification (germline): Uncertain significance (1 of 4 stars; one submission).

Conditions:
Niemann-Pick disease, type C1. Also called: NIEMANN-PICK DISEASE, VARIANT TYPE C1; NEUROVISCERAL STORAGE DISEASE WITH VERTICAL SUPRANUCLEAR OPHTHALMOPLEGIA; NIEMANN-PICK DISEASE WITH CHOLESTEROL ESTERIFICATION BLOCK; NIEMANN-PICK DISEASE WITHOUT SPHINGOMYELINASE DEFICIENCY; NIEMANN-PICK DISEASE, CHRONIC NEURONOPATHIC FORM. Identifiers: Orphanet 646, MedGen C3179455, MONDO:0009757, OMIM 257220.

Allele frequency attached by ClinVar (database versions not stated): gnomAD exomes 0.00001.
gnomAD v4.1: 7 of 1,610,230 alleles (0.00043%); highest among the groups gnomAD compares: African/African-American, 0.0013%; no homozygotes.

Submission:

Labcorp Genetics (formerly Invitae), Labcorp
Classification: Uncertain significance for Niemann-Pick disease, type C1. Last evaluated: 2021-08-26. Review status: criteria provided, single submitter. Criteria: Invitae Variant Classification Sherloc (09022015). Collection method: clinical testing. Allele origin: germline.
Comment: This sequence change falls in intron 22 of the NPC1 gene. It does not directly change the encoded amino acid sequence of the NPC1 protein. It affects a nucleotide within the consensus splice site of the intron. This variant is not present in population databases (ExAC no frequency). This variant has not been reported in the literature in individuals affected with NPC1-related conditions. Variants that disrupt the consensus splice site are a relatively common cause of aberrant splicing (PMID: 17576681, 9536098). Algorithms developed to predict the effect of sequence changes on RNA splicing suggest that this variant is not likely to affect RNA splicing. In summary, the available evidence is currently insufficient to determine the role of this variant in disease. Therefore, it has been classified as a Variant of Uncertain Significance.

Literature cited by the submitters: PubMed 17576681; PubMed 9536098.

NM_000271.5(NPC1):c.3478-3C>T

Gene: NPC1 (NPC intracellular cholesterol transporter 1; minus strand). Cytogenetic location: 18q11.2.
Variant type: single nucleotide variant.
Coding change: c.3478-3C>T on transcript NM_000271.5 (MANE Select); 3 bases into the intron before coding-DNA position 3478, C replaced by T.
Molecular consequence: intron variant.
Genome position (GRCh38, 1-based): chr18:23,534,562, G>A on the plus strand (C>T on the coding strand, the complement: NPC1 is on the minus strand). VCF-style: chr18-23534562-G-A. GRCh37 (hg19) VCF-style: chr18-21114526-G-A.
Identifiers: ClinVar variation 1446934 (VCV001446934.5), dbSNP rs2145344067, ClinGen allele CA2562866386.
Genomic context (GRCh38, chr18:23,534,562, plus strand): 5'-TGCTCACCGTGAACGCTCTGGTTATGTGGCTGCAGAACTCCACGGAGATGCCACAGCTCT[G>A]AAATAAAGCACTTCCTTTAGGATGGCTCTCTTCCTGTTGAAGACCCTAGGCAGCCACCCC-3'